The following is an entry in ClinVar:

NM_001332.4(CTNND2):c.2732C>T (p.Ala911Val)

Gene: CTNND2 (catenin delta 2; minus strand). Cytogenetic location: 5p15.2.
Variant type: single nucleotide variant.
Coding change: c.2732C>T on transcript NM_001332.4 (MANE Select); coding-DNA position 2732, C replaced by T.
Protein change: p.Ala911Val; replaces alanine 911 with valine.
Molecular consequence: missense variant. On other transcripts: non-coding transcript variant (1).
Genome position (GRCh38, 1-based): chr5:11,082,752, G>A on the plus strand (C>T on the coding strand, the complement: CTNND2 is on the minus strand). VCF-style: chr5-11082752-G-A. GRCh37 (hg19) VCF-style: chr5-11082864-G-A.
Other names: c.2459C>T, p.Ala820Val (NM_001288715.1); c.1721C>T, p.Ala574Val (NM_001288716.1); c.1433C>T, p.Ala478Val (NM_001288717.2); c.1796C>T, p.Ala599Val (NM_001364128.2); short protein forms A478V, A574V, A599V, A820V, A911V.
Identifiers: ClinVar variation 3342133 (VCV003342133.16).
Genomic context (GRCh38, chr5:11,082,752, plus strand): 5'-ATACCGATGAGCTCCTTATTTCTGACGTCCAAGGCCATGTTCCGCAGCGCAGTGGCCACC[G>A]CGCACACCACACGGTCATTGTCTATTCGGAGCAGCTCCACGAGGATGGGCAGGCCTTTCT-3'
Protein context (NP_001323.1, residues 901-921): LRIDNDRVVC[Ala911Val]VATALRNMAL

ClinVar aggregate classification (germline): Uncertain significance (1 of 4 stars; one submission).

gnomAD v4.1: 13 of 1,614,138 alleles (0.00081%); highest among the groups gnomAD compares: Admixed American, 0.0017%; no homozygotes.

Submission:

CeGaT Center for Human Genetics Tuebingen
Classification: Uncertain significance. Last evaluated: 2024-08-01. Review status: criteria provided, single submitter. Criteria: CeGaT Center For Human Genetics Tuebingen Variant Classification Criteria Version 2. Collection method: clinical testing. Allele origin: germline. Affected: yes. Observed: 1 variant allele.
Comment: CTNND2: PM2:Supporting, PP3